The following is an entry in ClinVar:

NM_000540.3(RYR1):c.7740C>T (p.Asp2580=)

Gene: RYR1 (ryanodine receptor 1; plus strand). Cytogenetic location: 19q13.2.
Variant type: single nucleotide variant.
Coding change: c.7740C>T on transcript NM_000540.3 (MANE Select); coding-DNA position 7740, C replaced by T.
Protein change: p.Asp2580=; no amino-acid change (aspartic acid 2580 retained).
Molecular consequence: synonymous variant.
Genome position (GRCh38, 1-based): chr19:38,502,632, C>T. VCF-style: chr19-38502632-C-T. GRCh37 (hg19) VCF-style: chr19-38993272-C-T.
Other names: c.7740C>T, p.Asp2580= (NM_001042723.2).
Identifiers: ClinVar variation 391772 (VCV000391772.24), dbSNP rs555791373, ClinGen allele CA082580.

ClinVar aggregate classification (germline): Likely benign. Review status: criteria provided, multiple submitters, no conflicts (2 of 4 stars). 5 submissions from 5 submitters: Likely benign (5). Last evaluated 2026-06-01.

Conditions:
RYR1-related disorder. Also called: RYR1-related condition; RYR1-related disorders. Identifiers: MedGen CN239331.
Malignant hyperthermia, susceptibility to, 1 (MHS1). Also called: Malignant hyperthermia suceptibility 1; Anesthesia related hyperthermia; Malignant hyperpyrexia; Fulminating hyperpyrexia; Pharmacogenic myopathy; RYR1-Related Malignant Hyperthermia Susceptibility. Identifiers: Orphanet 423, MedGen C2930980, MONDO:0007783, OMIM 145600.

Allele frequency attached by ClinVar (database versions not stated): gnomAD 0.00002 and 0.00004; TOPMed 0.00005; gnomAD exomes 0.00007 and 0.00020; 1000 Genomes Project 30x 0.00016; ExAC 0.00018; 1000 Genomes Project 0.00020.
gnomAD v4.1: 119 of 1,613,142 alleles (0.0074%); highest among the groups gnomAD compares: South Asian, 0.094%; 1 homozygote.

Submissions (5):

CeGaT Center for Human Genetics Tuebingen
Classification: Likely benign. Last evaluated: 2026-06-01. Review status: criteria provided, single submitter. Criteria: CeGaT Center For Human Genetics Tuebingen Variant Classification Criteria Version 2. Collection method: clinical testing. Allele origin: germline. Affected: yes. Observed: 1 variant allele.
Comment: RYR1: BP4, BP7

Labcorp Genetics (formerly Invitae), Labcorp
Classification: Likely benign for RYR1-related disorder. Last evaluated: 2025-09-29. Review status: criteria provided, single submitter. Criteria: Invitae Variant Classification Sherloc (09022015). Collection method: clinical testing. Allele origin: germline.

Color Diagnostics, LLC DBA Color Health
Classification: Likely benign for Malignant hyperthermia, susceptibility to, 1. Last evaluated: 2022-11-06. Review status: criteria provided, single submitter. Criteria: ACMG Guidelines, 2015. Collection method: clinical testing. Allele origin: germline.

Blueprint Genetics
Classification: Likely benign. Last evaluated: 2019-11-19. Review status: criteria provided, single submitter. Criteria: ACMG Guidelines, 2015. Collection method: clinical testing. Allele origin: germline.

GeneDx
Classification: Likely benign. Last evaluated: 2018-11-02. Review status: criteria provided, single submitter. Criteria: GeneDx Variant Classification Process June 2021. Collection method: clinical testing. Allele origin: germline. Affected: yes.